The following is an entry in ClinVar:

ClinVar aggregate classification (germline): Likely benign (0 of 4 stars; one submission).

Conditions:
NECTIN3-related disorder. Also called: NECTIN3-related condition.

Allele frequency attached by ClinVar (database versions not stated): 1000 Genomes Project 0.00260; gnomAD exomes 0.00451; ExAC 0.00171; 1000 Genomes Project 30x 0.00265; TOPMed 0.00302; gnomAD 0.00335.
gnomAD v4.1: 6,672 of 1,535,926 alleles (0.43%); highest among the groups gnomAD compares: Non-Finnish European, 0.53%; 21 homozygotes.

Submission:

PreventionGenetics, part of Exact Sciences
Classification: Likely benign for NECTIN3-related condition. Last evaluated: 2019-06-18. Review status: no assertion criteria provided. Collection method: clinical testing. Allele origin: germline.
Comment: This variant is classified as likely benign based on ACMG/AMP sequence variant interpretation guidelines (Richards et al. 2015 PMID: 25741868, with internal and published modifications).

NM_001243288.2(NECTIN3):c.1373A>T (p.Gln458Leu)

Gene: NECTIN3 (nectin cell adhesion molecule 3; plus strand). Cytogenetic location: 3q13.13.
Variant type: single nucleotide variant.
Coding change: c.1373A>T on transcript NM_001243288.2; coding-DNA position 1373, A replaced by T.
Protein change: p.Gln458Leu; replaces glutamine 458 with leucine.
Molecular consequence: missense variant.
Genome position (GRCh38, 1-based): chr3:111,193,288, A>T. VCF-style: chr3-111193288-A-T. GRCh37 (hg19) VCF-style: chr3-110912135-A-T.
Other names: short protein forms Q458L.
Identifiers: ClinVar variation 3033881 (VCV003033881.2), dbSNP rs193104048, ClinGen allele CA2534028.
Genomic context (GRCh38, chr3:111,193,288, plus strand): 5'-ATGAAGATGAGAATCCAGTTGGGGAAGATGGCATTCAGCAGATGTACCCCCTTTACAATC[A>T]AATGTGCTACCAAGACCGGAGCCCTGGCAAACATCATCAAAATAACGACCCTAAGAGAGT-3'